The following is an entry in ClinVar:

NM_001385125.1(OPN1SW):c.935T>G (p.Met312Arg)

Genes: CALU (calumenin; plus strand), OPN1SW (opsin 1, short wave sensitive; minus strand). Cytogenetic location: 7q32.1.
Variant type: single nucleotide variant.
Coding change: c.935T>G on transcript NM_001385125.1 (MANE Select); coding-DNA position 935, T replaced by G.
Protein change: p.Met312Arg; replaces methionine 312 with arginine.
Molecular consequence: missense variant. On other transcripts: 3 prime UTR variant (5), non-coding transcript variant (1).
Genome position (GRCh38, 1-based): chr7:128,772,643, A>C on the plus strand (T>G on the coding strand, the complement: OPN1SW is on the minus strand). VCF-style: chr7-128772643-A-C. GRCh37 (hg19) VCF-style: chr7-128412697-A-C.
Other names: c.*3476A>C (NM_001130674.3, NM_001199671.2, NM_001199672.2 and 1 more transcripts); c.*3549A>C (NM_001199673.2); short protein forms M312R.
Identifiers: ClinVar variation 1395268 (VCV001395268.6), dbSNP rs1801633476, ClinGen allele CA369216406.

ClinVar aggregate classification (germline): Uncertain significance (1 of 4 stars; one submission).

Submission:

Labcorp Genetics (formerly Invitae), Labcorp
Classification: Uncertain significance. Last evaluated: 2022-04-29. Review status: criteria provided, single submitter. Criteria: Invitae Variant Classification Sherloc (09022015). Collection method: clinical testing. Allele origin: germline.
Comment: This sequence change replaces methionine, which is neutral and non-polar, with arginine, which is basic and polar, at codon 315 of the OPN1SW protein (p.Met315Arg). This variant is not present in population databases (gnomAD no frequency). This variant has not been reported in the literature in individuals affected with OPN1SW-related conditions. Algorithms developed to predict the effect of missense changes on protein structure and function are either unavailable or do not agree on the potential impact of this missense change (SIFT: "Deleterious"; PolyPhen-2: "Benign"; Align-GVGD: "Class C45"). In summary, the available evidence is currently insufficient to determine the role of this variant in disease. Therefore, it has been classified as a Variant of Uncertain Significance.